The following is an entry in ClinVar:

ClinVar aggregate classification (germline): Uncertain significance (1 of 4 stars; one submission).

Conditions:
Hereditary cancer-predisposing syndrome. Also called: Neoplastic Syndromes, Hereditary; Tumor predisposition; Hereditary Cancer Syndrome; Hereditary neoplastic syndrome. Identifiers: Orphanet 140162, MedGen C0027672, MeSH D009386, MONDO:0015356.

Submission:

Ambry Genetics
Classification: Uncertain significance for Hereditary cancer-predisposing syndrome. Last evaluated: 2025-12-09. Review status: criteria provided, single submitter. Criteria: Ambry Variant Classification Scheme 2023. Collection method: clinical testing. Allele origin: germline.
Comment: The c.-3T>A variant is located in the 5' untranslated region (5&rsquo; UTR) of the DICER1 gene. This variant results from a T to A substitution 3 bases upstream from the first translated codon. This nucleotide position is well conserved in available vertebrate species. Based on the available evidence, the clinical significance of this variant remains unclear.

NM_177438.3(DICER1):c.-3T>A

Gene: DICER1 (dicer 1, ribonuclease III; minus strand). Cytogenetic location: 14q32.13.
Variant type: single nucleotide variant.
Coding change: c.-3T>A on transcript NM_177438.3 (MANE Select); 3 bases upstream of the start codon, T replaced by A.
Molecular consequence: 5 prime UTR variant. On other transcripts: non-coding transcript variant (6), intron variant (1).
Genome position (GRCh38, 1-based): chr14:95,133,461, A>T on the plus strand (T>A on the coding strand, the complement: DICER1 is on the minus strand). VCF-style: chr14-95133461-A-T. GRCh37 (hg19) VCF-style: chr14-95599798-A-T.
Other names: c.-3T>A (NM_001195573.1, NM_001271282.3, NM_001291628.2 and 14 more transcripts); c.-277T>A (NM_001395686.1, NM_001395688.1, NM_001395689.1 and 3 more transcripts); c.-461T>A (NM_001395691.1); c.-1571T>A (NM_001395697.1); c.-130-784T>A (NM_001395687.1).
Identifiers: ClinVar variation 4637735 (VCV004637735.1).